The following is an entry in ClinVar:

ClinVar aggregate classification (germline): Likely benign. Review status: criteria provided, multiple submitters, no conflicts (2 of 4 stars). 3 submissions from 3 submitters: Likely benign (3). Last evaluated 2026-02-01.

Conditions:
BEST1-related disorder. Also called: BEST1-related disorders; BEST1-related condition. Identifiers: MedGen CN239200.

Allele frequency attached by ClinVar (database versions not stated): gnomAD exomes below 0.00001 and 0.00001; TOPMed below 0.00001; ExAC 0.00001; gnomAD 0.00001.
gnomAD v4.1: 25 of 1,614,052 alleles (0.0015%); highest among the groups gnomAD compares: Middle Eastern, 0.049%; 1 homozygote.

Submissions (3):

Labcorp Genetics (formerly Invitae), Labcorp
Classification: Likely benign. Last evaluated: 2026-02-01. Review status: criteria provided, single submitter. Criteria: Invitae Variant Classification Sherloc (09022015). Collection method: clinical testing. Allele origin: germline.

PreventionGenetics, part of Exact Sciences
Classification: Likely benign for BEST1-related condition. Last evaluated: 2025-05-22. Review status: criteria provided, single submitter. Criteria: ACMG Guidelines, 2015. Collection method: clinical testing. Allele origin: germline.
Comment: This variant is classified as likely benign based on ACMG/AMP sequence variant interpretation guidelines (Richards et al. 2015 PMID: 25741868, with internal and published modifications).

Blueprint Genetics
Classification: Likely benign. Last evaluated: 2024-03-20. Review status: criteria provided, single submitter. Criteria: ACMG Guidelines, 2015. Collection method: clinical testing. Allele origin: germline.

NM_004183.4(BEST1):c.1212C>T (p.Pro404=)

Gene: BEST1 (bestrophin 1; plus strand). Cytogenetic location: 11q12.3.
Variant type: single nucleotide variant.
Coding change: c.1212C>T on transcript NM_004183.4 (MANE Select); coding-DNA position 1212, C replaced by T.
Protein change: p.Pro404=; no amino-acid change (proline 404 retained).
Molecular consequence: synonymous variant. On other transcripts: non-coding transcript variant (1).
Genome position (GRCh38, 1-based): chr11:61,962,366, C>T. VCF-style: chr11-61962366-C-T. GRCh37 (hg19) VCF-style: chr11-61729838-C-T.
Other names: c.1032C>T, p.Pro344= (NM_001139443.3, NM_001300787.2); c.951C>T, p.Pro317= (NM_001300786.2); c.894C>T, p.Pro298= (NM_001363591.3); c.*107C>T (NM_001363592.2); c.240C>T, p.Pro80= (NM_001363593.3); c.1212C>T (NM_004183.3).
Identifiers: ClinVar variation 1091511 (VCV001091511.11), dbSNP rs765611891, ClinGen allele CA6041022.